The following is an entry in ClinVar:

NM_005677.4(COLQ):c.943C>T (p.Arg315Ter)

Gene: COLQ (collagen like tail subunit of asymmetric acetylcholinesterase; minus strand). Cytogenetic location: 3p25.1.
Variant type: single nucleotide variant.
Coding change: c.943C>T on transcript NM_005677.4 (MANE Select); coding-DNA position 943, C replaced by T.
Protein change: p.Arg315Ter; replaces arginine 315 with a stop codon.
Molecular consequence: nonsense.
Genome position (GRCh38, 1-based): chr3:15,458,197, G>A on the plus strand (C>T on the coding strand, the complement: COLQ is on the minus strand). VCF-style: chr3-15458197-G-A. GRCh37 (hg19) VCF-style: chr3-15499704-G-A.
Other names: c.913C>T, p.Arg305Ter (NM_080538.2); c.841C>T, p.Arg281Ter (NM_080539.4); short protein forms R315*, R305*, R281*.
Identifiers: ClinVar variation 6655 (VCV000006655.22), dbSNP rs121908924, ClinGen allele CA118396.
Genomic context (GRCh38, chr3:15,458,197, plus strand): 5'-GAGAGGTCCTCACGGATAACCACCCCAGACTTCTCCCAGAAAGCCTTACCACAGGAACTC[G>A]CGGGGAACTGGGCCCATACACAGATTCCCCGTAGGAAGGGTTATTCACATTCATAGTGGG-3'

ClinVar aggregate classification (germline): Pathogenic. Review status: criteria provided, multiple submitters, no conflicts (2 of 4 stars). 9 submissions from 9 submitters: Pathogenic (8). 1 of the submissions does not count toward it. Last evaluated 2025-12-02.

Conditions:
Synaptic congenital myasthenic syndromes. Identifiers: Orphanet 98915, MedGen C5681640.
Congenital myasthenic syndrome 5. Identifiers: Orphanet 590, MedGen C1864233, MONDO:0011281, OMIM 603034.

Allele frequency attached by ClinVar (database versions not stated): ExAC 0.00001; gnomAD 0.00001; TOPMed 0.00001.
gnomAD v4.1: 18 of 1,613,612 alleles (0.0011%); highest among the groups gnomAD compares: African/African-American, 0.0013%; no homozygotes.

Submissions (9):

3billion
Classification: Pathogenic for Congenital myasthenic syndrome 5. Last evaluated: 2025-12-02. Review status: criteria provided, single submitter. Criteria: ACMG Guidelines, 2015. Collection method: clinical testing. Allele origin: germline. Affected: yes.
Comment: The variant is observed at an extremely low frequency in the gnomAD v4.1.0 dataset (total allele frequency: 0.001%). Predicted Consequence/Location: Stop-gained (nonsense): predicted to result in a loss or disruption of normal protein function through nonsense-mediated decay (NMD) or protein truncation. Multiple pathogenic variants are reported downstream of the variant. The variant has been reported at least twice as pathogenic with clinical assertions and evidence for the classification (ClinVar ID: VCV000006655 /PMID: 10441569). Therefore, this variant is classified as Pathogenic according to the recommendation of ACMG/AMP guideline.

GeneDx
Classification: Pathogenic. Last evaluated: 2024-12-12. Review status: criteria provided, single submitter. Criteria: GeneDx Variant Classification Process June 2021. Collection method: clinical testing. Allele origin: germline. Affected: yes.
Comment: Published functional studies demonstrate a damaging effect, as the variant caused the failure of forming the expected AChE complexes (PMID: 10441569); Observed with another variant in the COLQ gene in a patient with AChE deficiency in published literature; however, it is unclear whether the variants were on the same (in cis) or on opposite alleles (in trans) (PMID: 10441569); Nonsense variant predicted to result in protein truncation or nonsense mediated decay in a gene for which loss of function is a known mechanism of disease; Not observed at significant frequency in large population cohorts (gnomAD); This variant is associated with the following publications: (PMID: 25525159, 32573669, 10441569)

Baylor Genetics
Classification: Pathogenic for Congenital myasthenic syndrome 5. Last evaluated: 2024-03-24. Review status: criteria provided, single submitter. Criteria: ACMG Guidelines, 2015. Collection method: clinical testing. Allele origin: unknown.

Neuromuscular Department, Shariati Hospital, Tehran University of Medical Sciences
Classification: Pathogenic for Synaptic congenital myasthenic syndromes. Last evaluated: 2023-01-01. Review status: criteria provided, single submitter. Criteria: ACMG Guidelines, 2015. Collection method: clinical testing. Allele origin: germline. Affected: yes. Observed: 2 variant alleles.

Labcorp Genetics (formerly Invitae), Labcorp
Classification: Pathogenic for Congenital myasthenic syndrome 5. Last evaluated: 2022-06-04. Review status: criteria provided, single submitter. Criteria: Invitae Variant Classification Sherloc (09022015). Collection method: clinical testing. Allele origin: germline.
Comment: Algorithms developed to predict the effect of sequence changes on RNA splicing suggest that this variant may create or strengthen a splice site. For these reasons, this variant has been classified as Pathogenic. ClinVar contains an entry for this variant (Variation ID: 6655). This sequence change creates a premature translational stop signal (p.Arg315*) in the COLQ gene. It is expected to result in an absent or disrupted protein product. Loss-of-function variants in COLQ are known to be pathogenic (PMID: 22678886). This variant is present in population databases (rs121908924, gnomAD 0.007%). This premature translational stop signal has been observed in individuals with congenital myasthenic syndrome (PMID: 10441569). It has also been observed to segregate with disease in related individuals.

Revvity Omics, Revvity
Classification: Pathogenic for Congenital myasthenic syndrome 5. Last evaluated: 2020-02-12. Review status: criteria provided, single submitter. Criteria: ACMG Guidelines, 2015. Collection method: clinical testing. Allele origin: germline.

Victorian Clinical Genetics Services, Murdoch Childrens Research Institute
Classification: Pathogenic for Congenital myasthenic syndrome 5. Last evaluated: 2018-05-18. Review status: criteria provided, single submitter. Criteria: ACMG Guidelines, 2015. Collection method: clinical testing. Allele origin: inherited. Affected: yes. Observed: 3 variant alleles. Clinical features observed: Central hypotonia (HP:0011398), Recurrent infections (HP:0002719).
Comment: A homozygous nonsense variant, NM_005677.3(COLQ):c.943C>T, has been identified in exon 13 of 17 of the COLQ gene. The variant is predicted to result in a premature stop codon at position 315 of the protein, NP_005668.2(COLQ):p.(Arg315*). This variant is predicted to result in loss of protein function either through truncation (including the C-terminal end region) or nonsense-mediated decay, which is a reported mechanism of pathogenicity for this gene. The variant is present in the gnomAD database at a frequency of 0.0016% (4 heterozygotes, 0 homozygotes). The variant has been previously described as pathogenic and segregated with disease in three affected members of a family (ClinVar, Ohno et al., (1999)). Additionally, functional analysis of the congenital end-pate acetylcholinesterase (AChE) showed reduced expression preventing the anchoring of the AChE to the synaptic basal lamina (Ohno et al., (1999)). Based on the information available at the time of curation, this variant has been classified as PATHOGENIC.

Athena Diagnostics
Classification: Pathogenic. Last evaluated: 2016-11-04. Review status: criteria provided, single submitter. Criteria: Athena Diagnostics Criteria. Collection method: clinical testing. Allele origin: germline.

OMIM
Classification: Pathogenic for MYASTHENIC SYNDROME, CONGENITAL, 5. Last evaluated: 1999-09-01. Review status: no assertion criteria provided. Collection method: literature only. Allele origin: germline. Not counted in ClinVar's aggregate classification.

Literature cited by the submitters: PubMed 10441569 (cited by 4 submitters); PubMed 22678886 (cited by Labcorp Genetics (formerly Invitae), Labcorp).